The following is an entry in ClinVar:

ClinVar aggregate classification (germline): Uncertain significance (1 of 4 stars; one submission).

Conditions:
Inborn genetic diseases. Identifiers: MedGen C0950123, MeSH D030342.

Allele frequency attached by ClinVar (database versions not stated): gnomAD exomes below 0.00001; TOPMed below 0.00001; ExAC 0.00001.
gnomAD v4.1: 1 of 1,605,980 alleles (0.000062%); highest among the groups gnomAD compares: Admixed American, 0.0017%; no homozygotes.

Submission:

Ambry Genetics
Classification: Uncertain significance for Inborn genetic diseases. Last evaluated: 2018-12-03. Review status: criteria provided, single submitter. Criteria: Ambry Variant Classification Scheme 2023. Collection method: clinical testing. Allele origin: germline.
Comment: The c.101-3T>C intronic variant results from a T to C substitution 3 nucleotides upstream from coding exon 2 in the CA8 gene. This nucleotide position is poorly conserved in available vertebrate species. Using the BDGP and ESEfinder splice site prediction tools, this alteration is not predicted to have any significant effect on this splice acceptor/donor site; however, direct evidence is unavailable. Since supporting evidence is limited at this time, the clinical significance of this alteration remains unclear.

NM_004056.6(CA8):c.101-3T>C

Gene: CA8 (carbonic anhydrase 8; minus strand). Cytogenetic location: 8q12.1.
Variant type: single nucleotide variant.
Coding change: c.101-3T>C on transcript NM_004056.6 (MANE Select); 3 bases into the intron before coding-DNA position 101, T replaced by C.
Molecular consequence: intron variant.
Genome position (GRCh38, 1-based): chr8:60,279,883, A>G on the plus strand (T>C on the coding strand, the complement: CA8 is on the minus strand). VCF-style: chr8-60279883-A-G. GRCh37 (hg19) VCF-style: chr8-61192442-A-G.
Other names: c.101-3T>C (NM_001321839.2, NM_001321837.2, NM_001321838.2).
Identifiers: ClinVar variation 1737316 (VCV001737316.2), dbSNP rs748411544, ClinGen allele CA4758955.
Genomic context (GRCh38, chr8:60,279,883, plus strand): 5'-TTAATAGGAGACTGGTATTCCCCATTAGCATCAGGAAACACCAGACCCCACTCAACACCT[A>G]AGAACAAAATGAAATAAATTAAAAACAGGTTAAAAAATAAATTACAGTAAAATTTAACAT-3'